The following is an entry in ClinVar:

ClinVar aggregate classification (germline): Uncertain significance (1 of 4 stars; one submission).

Conditions:
Methylmalonic acidemia with homocystinuria, type cblX (MAHCX). Also called: INTELLECTUAL DEVELOPMENTAL DISORDER, X-LINKED 3. Identifiers: Orphanet 369962, MedGen C0796208, MONDO:0010657, OMIM 309541.

Submission:

Labcorp Genetics (formerly Invitae), Labcorp
Classification: Uncertain significance for Methylmalonic acidemia with homocystinuria, type cblX. Last evaluated: 2025-10-01. Review status: criteria provided, single submitter. Criteria: Invitae Variant Classification Sherloc (09022015). Collection method: clinical testing. Allele origin: germline.
Comment: This sequence change replaces cysteine, which is neutral and slightly polar, with serine, which is neutral and polar, at codon 1280 of the HCFC1 protein (p.Cys1280Ser). This variant is not present in population databases (gnomAD no frequency). This variant has not been reported in the literature in individuals affected with HCFC1-related conditions. ClinVar contains an entry for this variant (Variation ID: 2011779). Invitae Evidence Modeling of protein sequence and biophysical properties (such as structural, functional, and spatial information, amino acid conservation, physicochemical variation, residue mobility, and thermodynamic stability) indicates that this missense variant is not expected to disrupt HCFC1 protein function with a negative predictive value of 80%. In summary, the available evidence is currently insufficient to determine the role of this variant in disease. Therefore, it has been classified as a Variant of Uncertain Significance.

NM_005334.3(HCFC1):c.3839G>C (p.Cys1280Ser)

Gene: HCFC1 (host cell factor C1; minus strand). Cytogenetic location: Xq28.
Variant type: single nucleotide variant.
Coding change: c.3839G>C on transcript NM_005334.3 (MANE Select); coding-DNA position 3839, G replaced by C.
Protein change: p.Cys1280Ser; replaces cysteine 1280 with serine.
Molecular consequence: missense variant.
Genome position (GRCh38, 1-based): chrX:153,954,560, C>G on the plus strand (G>C on the coding strand, the complement: HCFC1 is on the minus strand). VCF-style: chrX-153954560-C-G. GRCh37 (hg19) VCF-style: chrX-153220011-C-G.
Other names: c.3839G>C, p.Cys1280Ser (NM_001410705.1); short protein forms C1280S.
Identifiers: ClinVar variation 2011779 (VCV002011779.4), dbSNP rs2521544212, ClinGen allele CA415119121.